The following is an entry in ClinVar:

ClinVar aggregate classification (germline): Uncertain significance (1 of 4 stars; one submission).

Allele frequency attached by ClinVar (database versions not stated): ExAC 0.00001; gnomAD 0.00002; TOPMed 0.00002; gnomAD exomes 0.00005.
gnomAD v4.1: 78 of 1,612,936 alleles (0.0048%); highest among the groups gnomAD compares: Non-Finnish European, 0.0061%; no homozygotes.

Submission:

Labcorp Genetics (formerly Invitae), Labcorp
Classification: Uncertain significance. Last evaluated: 2024-05-08. Review status: criteria provided, single submitter. Criteria: Invitae Variant Classification Sherloc (09022015). Collection method: clinical testing. Allele origin: germline.
Comment: This sequence change replaces methionine, which is neutral and non-polar, with isoleucine, which is neutral and non-polar, at codon 913 of the ARID1B protein (p.Met913Ile). This variant is present in population databases (rs751177927, gnomAD 0.007%). This variant has not been reported in the literature in individuals affected with ARID1B-related conditions. Advanced modeling of protein sequence and biophysical properties (such as structural, functional, and spatial information, amino acid conservation, physicochemical variation, residue mobility, and thermodynamic stability) has been performed at Invitae for this missense variant, however the output from this modeling did not meet the statistical confidence thresholds required to predict the impact of this variant on ARID1B protein function. In summary, the available evidence is currently insufficient to determine the role of this variant in disease. Therefore, it has been classified as a Variant of Uncertain Significance.

NM_001374828.1(ARID1B):c.2949G>A (p.Met983Ile)

Gene: ARID1B (AT-rich interaction domain 1B; plus strand). Cytogenetic location: 6q25.3.
Variant type: single nucleotide variant.
Coding change: c.2949G>A on transcript NM_001374828.1 (MANE Select); coding-DNA position 2949, G replaced by A.
Protein change: p.Met983Ile; replaces methionine 983 with isoleucine.
Molecular consequence: missense variant.
Genome position (GRCh38, 1-based): chr6:157,148,811, G>A. VCF-style: chr6-157148811-G-A. GRCh37 (hg19) VCF-style: chr6-157469945-G-A.
Other names: c.2700G>A, p.Met900Ile (NM_001346813.1); c.450G>A, p.Met150Ile (NM_001363725.2); c.2988G>A, p.Met996Ile (NM_001371656.1, NM_001374820.1); c.2949G>A, p.Met983Ile (NM_017519.3); c.2739G>A, p.Met913Ile (NM_020732.3); c.2526G>A, p.Met842Ile (NM_175863.2); short protein forms M150I, M983I, M842I, M900I, M913I, M996I.
Identifiers: ClinVar variation 2913761 (VCV002913761.3), dbSNP rs751177927, ClinGen allele CA4067168.